The following is an entry in ClinVar:

NM_000393.5(COL5A2):c.3044C>T (p.Thr1015Ile)

Gene: COL5A2 (collagen type V alpha 2 chain; minus strand). Cytogenetic location: 2q32.2.
Variant type: single nucleotide variant.
Coding change: c.3044C>T on transcript NM_000393.5 (MANE Select); coding-DNA position 3044, C replaced by T.
Protein change: p.Thr1015Ile; replaces threonine 1015 with isoleucine.
Molecular consequence: missense variant.
Genome position (GRCh38, 1-based): chr2:189,049,450, G>A on the plus strand (C>T on the coding strand, the complement: COL5A2 is on the minus strand). VCF-style: chr2-189049450-G-A. GRCh37 (hg19) VCF-style: chr2-189914176-G-A.
Other names: short protein forms T1015I.
Identifiers: ClinVar variation 2775689 (VCV002775689.1), dbSNP rs1200980765, ClinGen allele CA349866045.

ClinVar aggregate classification (germline): Uncertain significance (1 of 4 stars; one submission).

Conditions:
Ehlers-Danlos syndrome, classic type, 1 (EDSCL1). Also called: EHLERS-DANLOS SYNDROME, GRAVIS TYPE; EHLERS-DANLOS SYNDROME, SEVERE CLASSIC TYPE; Ehlers-Danlos syndrome, type 1; Ehlers-Danlos Syndrome, Classic Type, COL5A1-Related; EDS I. Identifiers: MedGen C0268335, MONDO:0019567, OMIM 130000.

Allele frequency attached by ClinVar (database versions not stated): gnomAD 0.00001; TOPMed below 0.00001.

Submission:

Labcorp Genetics (formerly Invitae), Labcorp
Classification: Uncertain significance for Ehlers-Danlos syndrome, classic type, 1. Last evaluated: 2022-12-31. Review status: criteria provided, single submitter. Criteria: Invitae Variant Classification Sherloc (09022015). Collection method: clinical testing. Allele origin: germline.
Comment: In summary, the available evidence is currently insufficient to determine the role of this variant in disease. Therefore, it has been classified as a Variant of Uncertain Significance. Advanced modeling of protein sequence and biophysical properties (such as structural, functional, and spatial information, amino acid conservation, physicochemical variation, residue mobility, and thermodynamic stability) performed at Invitae indicates that this missense variant is not expected to disrupt COL5A2 protein function. This variant has not been reported in the literature in individuals affected with COL5A2-related conditions. This variant is not present in population databases (gnomAD no frequency). This sequence change replaces threonine, which is neutral and polar, with isoleucine, which is neutral and non-polar, at codon 1015 of the COL5A2 protein (p.Thr1015Ile).